The following is an entry in ClinVar:

ClinVar aggregate classification (germline): Uncertain significance (1 of 4 stars; one submission).

Conditions:
Tuberous sclerosis 2 (TSC2). Identifiers: Orphanet 805, MedGen C1860707, MONDO:0013199, OMIM 613254.

Submission:

Labcorp Genetics (formerly Invitae), Labcorp
Classification: Uncertain significance for Tuberous sclerosis 2. Last evaluated: 2025-07-10. Review status: criteria provided, single submitter. Criteria: Invitae Variant Classification Sherloc (09022015). Collection method: clinical testing. Allele origin: germline.
Comment: This sequence change replaces arginine, which is basic and polar, with glycine, which is neutral and non-polar, at codon 1688 of the TSC2 protein (p.Arg1688Gly). This variant is not present in population databases (gnomAD no frequency). This variant has not been reported in the literature in individuals affected with TSC2-related conditions. ClinVar contains an entry for this variant (Variation ID: 2704853). Invitae Evidence Modeling of protein sequence and biophysical properties (such as structural, functional, and spatial information, amino acid conservation, physicochemical variation, residue mobility, and thermodynamic stability) indicates that this missense variant is not expected to disrupt TSC2 protein function with a negative predictive value of 95%. In summary, the available evidence is currently insufficient to determine the role of this variant in disease. Therefore, it has been classified as a Variant of Uncertain Significance.

NM_000548.5(TSC2):c.5062A>G (p.Arg1688Gly)

Gene: TSC2 (TSC complex subunit 2; plus strand). Cytogenetic location: 16p13.3.
Variant type: single nucleotide variant.
Coding change: c.5062A>G on transcript NM_000548.5 (MANE Select); coding-DNA position 5062, A replaced by G.
Protein change: p.Arg1688Gly; replaces arginine 1688 with glycine.
Molecular consequence: missense variant. On other transcripts: non-coding transcript variant (5).
Genome position (GRCh38, 1-based): chr16:2,087,935, A>G. VCF-style: chr16-2087935-A-G. GRCh37 (hg19) VCF-style: chr16-2137936-A-G.
Other names: c.4846A>G, p.Arg1616Gly (NM_001406675.1); c.4843A>G, p.Arg1615Gly (NM_001406676.1); c.4804A>G, p.Arg1602Gly (NM_001406677.1); c.4750A>G, p.Arg1584Gly (NM_001406678.1); c.4714A>G, p.Arg1572Gly (NM_001406679.1); c.4462A>G, p.Arg1488Gly (NM_001406680.1); c.4402A>G, p.Arg1468Gly (NM_001406681.1); c.4393A>G, p.Arg1465Gly (NM_001406682.1, NM_001406683.1); and 26 more; short protein forms R1217G, R1488G, R1573G, R1585G, R1628G, R1632G, R1173G, R1174G.
Identifiers: ClinVar variation 2704853 (VCV002704853.3), dbSNP rs2151614538, ClinGen allele CA394311682.